The following is an entry in ClinVar:

NM_199420.4(POLQ):c.6827G>T (p.Gly2276Val)

Gene: POLQ (DNA polymerase theta; minus strand). Cytogenetic location: 3q13.33.
Variant type: single nucleotide variant.
Coding change: c.6827G>T on transcript NM_199420.4 (MANE Select); coding-DNA position 6827, G replaced by T.
Protein change: p.Gly2276Val; replaces glycine 2276 with valine.
Molecular consequence: missense variant.
Genome position (GRCh38, 1-based): chr3:121,468,323, C>A on the plus strand (G>T on the coding strand, the complement: POLQ is on the minus strand). VCF-style: chr3-121468323-C-A. GRCh37 (hg19) VCF-style: chr3-121187170-C-A.
Other names: short protein forms G2276V.
Identifiers: ClinVar variation 1755665 (VCV001755665.3), dbSNP rs758239782, ClinGen allele CA354111226.

ClinVar aggregate classification (germline): Uncertain significance (1 of 4 stars; one submission).

Allele frequency attached by ClinVar (database versions not stated): gnomAD exomes below 0.00001.
gnomAD v4.1: 3 of 1,613,064 alleles (0.00019%); highest among the groups gnomAD compares: Middle Eastern, 0.017%; no homozygotes.

Submission:

Ambry Genetics
Classification: Uncertain significance. Last evaluated: 2024-09-15. Review status: criteria provided, single submitter. Criteria: Ambry Variant Classification Scheme 2023. Collection method: clinical testing. Allele origin: germline.
Comment: The p.G2276V variant (also known as c.6827G>T), located in coding exon 23 of the POLQ gene, results from a G to T substitution at nucleotide position 6827. The glycine at codon 2276 is replaced by valine, an amino acid with dissimilar properties. This amino acid position is conserved. In addition, this alteration is predicted to be tolerated by in silico analysis. Since supporting evidence is limited at this time, the clinical significance of this alteration remains unclear.